The following is an entry in ClinVar:

NM_005051.3(QARS1):c.1687G>A (p.Asp563Asn)

Gene: QARS1 (glutaminyl-tRNA synthetase 1; minus strand). Cytogenetic location: 3p21.31.
Variant type: single nucleotide variant.
Coding change: c.1687G>A on transcript NM_005051.3 (MANE Select); coding-DNA position 1687, G replaced by A.
Protein change: p.Asp563Asn; replaces aspartic acid 563 with asparagine.
Molecular consequence: missense variant. On other transcripts: non-coding transcript variant (1).
Genome position (GRCh38, 1-based): chr3:49,099,181, C>T on the plus strand (G>A on the coding strand, the complement: QARS1 is on the minus strand). VCF-style: chr3-49099181-C-T. GRCh37 (hg19) VCF-style: chr3-49136614-C-T.
Other names: c.1654G>A, p.Asp552Asn (NM_001272073.2); short protein forms D552N, D563N.
Identifiers: ClinVar variation 1438334 (VCV001438334.5), dbSNP rs974143738, ClinGen allele CA74472865.

ClinVar aggregate classification (germline): Uncertain significance (1 of 4 stars; one submission).

Conditions:
Diffuse cerebral and cerebellar atrophy - intractable seizures - progressive microcephaly syndrome. Also called: Microcephaly, progressive, with seizures and cerebral and cerebellar atrophy. Identifiers: Orphanet 404437, MedGen C4014239, MONDO:0014335, OMIM 615760.

Allele frequency attached by ClinVar (database versions not stated): gnomAD exomes below 0.00001; gnomAD 0.00001; TOPMed 0.00001.
gnomAD v4.1: 2 of 1,614,062 alleles (0.00012%); highest among the groups gnomAD compares: Admixed American, 0.0033%; no homozygotes.

Submission:

Labcorp Genetics (formerly Invitae), Labcorp
Classification: Uncertain significance for Diffuse cerebral and cerebellar atrophy - intractable seizures - progressive microcephaly syndrome. Last evaluated: 2021-08-24. Review status: criteria provided, single submitter. Criteria: Invitae Variant Classification Sherloc (09022015). Collection method: clinical testing. Allele origin: germline.
Comment: This sequence change replaces aspartic acid with asparagine at codon 563 of the QARS protein (p.Asp563Asn). The aspartic acid residue is moderately conserved and there is a small physicochemical difference between aspartic acid and asparagine. This variant is not present in population databases (ExAC no frequency). This variant has not been reported in the literature in individuals affected with QARS-related conditions. Algorithms developed to predict the effect of missense changes on protein structure and function (SIFT, PolyPhen-2, Align-GVGD) all suggest that this variant is likely to be tolerated. In summary, the available evidence is currently insufficient to determine the role of this variant in disease. Therefore, it has been classified as a Variant of Uncertain Significance.